The following is an entry in ClinVar:

ClinVar aggregate classification (germline): Pathogenic (1 of 4 stars; one submission).

Conditions:
Bardet-Biedl syndrome (BBS). Identifiers: Orphanet 110, MedGen C0752166, MONDO:0015229.

Submission:

Labcorp Genetics (formerly Invitae), Labcorp
Classification: Pathogenic for Bardet-Biedl syndrome. Last evaluated: 2023-01-07. Review status: criteria provided, single submitter. Criteria: Invitae Variant Classification Sherloc (09022015). Collection method: clinical testing. Allele origin: germline.
Comment: This sequence change creates a premature translational stop signal (p.Ile306Alafs*18) in the BBS2 gene. It is expected to result in an absent or disrupted protein product. Loss-of-function variants in BBS2 are known to be pathogenic (PMID: 11285252, 20177705, 24608809, 26518167). For these reasons, this variant has been classified as Pathogenic. This variant has not been reported in the literature in individuals affected with BBS2-related conditions. This variant is not present in population databases (gnomAD no frequency).

Literature cited by the submitters: PubMed 11285252; PubMed 20177705; PubMed 24608809; PubMed 26518167.

NM_031885.5(BBS2):c.916_919del (p.Ile306fs)

Gene: BBS2 (Bardet-Biedl syndrome 2; minus strand). Cytogenetic location: 16q13.
Variant type: Deletion.
Coding change: c.916_919del on transcript NM_031885.5 (MANE Select); coding-DNA positions 916 to 919, 4 bases deleted (ATCT; older notation c.916_919delATCT).
Protein change: p.Ile306fs; shifts the reading frame from isoleucine 306.
Molecular consequence: frameshift variant. On other transcripts: non-coding transcript variant (5).
Genome position (GRCh38, 1-based): chr16:56,502,694-56,502,697, AGAT deleted on the plus strand (ATCT on the coding strand, the reverse complement: BBS2 is on the minus strand). VCF-style (leftmost placement, unchanged base first): chr16-56502693-CAGAT-C. GRCh37 (hg19) VCF-style: chr16-56536605-CAGAT-C.
Other names: c.916_919del, p.Ile306fs (NM_001377456.1); short protein forms I306fs.
Identifiers: ClinVar variation 2826898 (VCV002826898.3), dbSNP rs2543713851, ClinGen allele CA2739266814.